The following is an entry in ClinVar:

NM_025099.6(CTC1):c.2475+3G>A

Gene: CTC1 (CST telomere replication complex component 1; minus strand). Cytogenetic location: 17p13.1.
Variant type: single nucleotide variant.
Coding change: c.2475+3G>A on transcript NM_025099.6 (MANE Select); 3 bases into the intron after coding-DNA position 2475, G replaced by A.
Molecular consequence: intron variant.
Genome position (GRCh38, 1-based): chr17:8,231,723, C>T on the plus strand (G>A on the coding strand, the complement: CTC1 is on the minus strand). VCF-style: chr17-8231723-C-T. GRCh37 (hg19) VCF-style: chr17-8135041-C-T.
Identifiers: ClinVar variation 1008759 (VCV001008759.6), dbSNP rs1987244042, ClinGen allele CA2246189444.

ClinVar aggregate classification (germline): Uncertain significance (1 of 4 stars; one submission).

Conditions:
Dyskeratosis congenita. Identifiers: Orphanet 1775, MedGen C0265965, MONDO:0015780.

Submission:

Labcorp Genetics (formerly Invitae), Labcorp
Classification: Uncertain significance for Dyskeratosis congenita. Last evaluated: 2018-05-21. Review status: criteria provided, single submitter. Criteria: Invitae Variant Classification Sherloc (09022015). Collection method: clinical testing. Allele origin: germline.
Comment: This variant has not been reported in the literature in individuals with CTC1-related disease. This variant is not present in population databases (ExAC no frequency). This sequence change falls in intron 14 of the CTC1 gene. It does not directly change the encoded amino acid sequence of the CTC1 protein, but it affects a nucleotide within the consensus splice site of the intron. In summary, the available evidence is currently insufficient to determine the role of this variant in disease. Therefore, it has been classified as a Variant of Uncertain Significance. Nucleotide substitutions within the consensus splice site are a relatively common cause of aberrant splicing (PMID: 17576681, 9536098). Algorithms developed to predict the effect of sequence changes on RNA splicing suggest that this variant is not likely to affect RNA splicing, but this prediction has not been confirmed by published transcriptional studies.

Literature cited by the submitters: PubMed 17576681; PubMed 9536098.